The following is an entry in ClinVar:

NM_001173464.2(KIF21A):c.3320-4A>T

Gene: KIF21A (kinesin family member 21A; minus strand). Cytogenetic location: 12q12.
Variant type: single nucleotide variant.
Coding change: c.3320-4A>T on transcript NM_001173464.2 (MANE Select); 4 bases into the intron before coding-DNA position 3320, A replaced by T.
Molecular consequence: intron variant.
Genome position (GRCh38, 1-based): chr12:39,330,266, T>A on the plus strand (A>T on the coding strand, the complement: KIF21A is on the minus strand). VCF-style: chr12-39330266-T-A. GRCh37 (hg19) VCF-style: chr12-39724068-T-A.
Other names: c.3212-4A>T (NM_001173465.2); c.3280+480A>T (NM_001173463.2); c.3281-4A>T (NM_017641.4).
Identifiers: ClinVar variation 308561 (VCV000308561.8), dbSNP rs371915160, ClinGen allele CA6510564.

ClinVar aggregate classification (germline): Likely benign. Review status: criteria provided, multiple submitters, no conflicts (2 of 4 stars). 2 submissions from 2 submitters: Likely benign (2). Last evaluated 2018-08-02.

Conditions:
Congenital fibrosis of extraocular muscles type 1. Also called: CFEOM3B; BLEPHAROPTOSIS WITH ABSENT EYE MOVEMENTS; OPHTHALMOPLEGIA, CONGENITAL; FEOM1 LOCUS. Identifiers: MedGen C1851102, MONDO:0021083, OMIM 135700.

Allele frequency attached by ClinVar (database versions not stated): gnomAD 0.00006; gnomAD exomes 0.00007; ExAC 0.00009; TOPMed 0.00005; ESP Exome Variant Server 0.00015.
gnomAD v4.1: 112 of 1,611,926 alleles (0.0069%); highest among the groups gnomAD compares: Non-Finnish European, 0.0088%; no homozygotes.

Submissions (2):

Labcorp Genetics (formerly Invitae), Labcorp
Classification: Likely benign. Last evaluated: 2018-08-02. Review status: criteria provided, single submitter. Criteria: Invitae Variant Classification Sherloc (09022015). Collection method: clinical testing. Allele origin: germline.

Illumina Laboratory Services, Illumina
Classification: Likely benign for Congenital fibrosis of extraocular muscles type 1. Last evaluated: 2018-01-13. Review status: criteria provided, single submitter. Criteria: ICSL Variant Classification Criteria 13 December 2019. Collection method: clinical testing. Allele origin: germline.
Comment: This variant was observed in the ICSL laboratory as part of a predisposition screen in an ostensibly healthy population. It had not been previously curated by ICSL or reported in the Human Gene Mutation Database (HGMD: prior to June 1st, 2018), and was therefore a candidate for classification through an automated scoring system. Utilizing variant allele frequency, disease prevalence and penetrance estimates, and inheritance mode, an automated score was calculated to assess if this variant is too frequent to cause the disease. Based on the score and internal cut-off values, a variant classified as likely benign is not then subjected to further curation. The score for this variant resulted in a classification of likely benign for this disease.